The following is an entry in ClinVar:

GRCh37/hg19 Yq11.221-12(chrY:16183453-59011762)x2

Genes: BPY2 (basic charge Y-linked 2; plus strand), BPY2B (basic charge Y-linked 2B; plus strand), BPY2C (basic charge Y-linked 2C; minus strand), CDY1 (chromodomain Y-linked 1; plus strand), CDY2A (chromodomain Y-linked 2A; plus strand) and 36 more. Cytogenetic location: Yq11.221-12.
Variant type: copy number gain.
Change: copy number 2 of chrY:16,183,453-59,011,762 (42.83 Mb, GRCh37 coordinates, 1-based), cytogenetic band Yq11.221-12.
Identifiers: ClinVar variation 146480 (VCV000146480.3).

ClinVar aggregate classification (germline): Pathogenic (1 of 4 stars; one submission).

Submission:

ISCA Site 6
Classification: Pathogenic. Last evaluated: 2013-01-31. Review status: criteria provided, single submitter. Criteria: Kaminsky et al. (Genet Med. 2011). Collection method: clinical testing. Allele origin: unknown. Affected: yes. Observed: 1 variant allele.
Comment: Copy number variation identified through the course of routine clinical cytogenomic testing in postnatal populations. Clinical assertions have been curated as described in Kaminsky et al. 2011.